The following is an entry in ClinVar:

NM_001378615.1(CC2D2A):c.2387T>G (p.Met796Arg)

Genes: CC2D2A (coiled-coil and C2 domain containing 2A; plus strand), FBXL5 (F-box and leucine rich repeat protein 5; minus strand). Cytogenetic location: 4p15.32.
Variant type: single nucleotide variant.
Coding change: c.2387T>G on transcript NM_001378615.1 (MANE Select); coding-DNA position 2387, T replaced by G.
Protein change: p.Met796Arg; replaces methionine 796 with arginine.
Molecular consequence: missense variant.
Genome position (GRCh38, 1-based): chr4:15,553,206, T>G. VCF-style: chr4-15553206-T-G. GRCh37 (hg19) VCF-style: chr4-15554829-T-G.
Other names: c.2387T>G, p.Met796Arg (NM_001080522.2); c.2240T>G, p.Met747Arg (NM_001378617.1); short protein forms M796R, M747R.
Identifiers: ClinVar variation 501420 (VCV000501420.15), dbSNP rs367560550, ClinGen allele CA2863908.

ClinVar aggregate classification (germline): Conflicting classifications of pathogenicity. Review status: criteria provided, conflicting classifications (1 of 4 stars). 4 submissions from 4 submitters: Uncertain significance (3); Likely benign (1). Last evaluated 2025-09-29.

Conditions:
Inborn genetic diseases. Identifiers: MedGen C0950123, MeSH D030342.
Meckel-Gruber syndrome. Also called: Dysencephalia splachnocystica; DYSENCEPHALIA SPLANCHNOCYSTICA; GRUBER SYNDROME. Identifiers: Orphanet 564, MedGen C0265215, MONDO:0018921.
Joubert syndrome. Also called: JOUBERT-BOLTSHAUSER SYNDROME; Familial aplasia of the vermis. Identifiers: Orphanet 475, MedGen C5979921, MONDO:0018772.

Allele frequency attached by ClinVar (database versions not stated): gnomAD 0.00003; gnomAD exomes 0.00003; TOPMed 0.00005; 1000 Genomes Project 30x 0.00016; ESP Exome Variant Server 0.00016; 1000 Genomes Project 0.00020.
gnomAD v4.1: 23 of 1,610,124 alleles (0.0014%); highest among the groups gnomAD compares: African/African-American, 0.02%; no homozygotes.

Submissions (4):

Ambry Genetics
Classification: Uncertain significance for Inborn genetic diseases. Last evaluated: 2025-09-29. Review status: criteria provided, single submitter. Criteria: Ambry Variant Classification Scheme 2023. Collection method: clinical testing. Allele origin: germline.

Labcorp Genetics (formerly Invitae), Labcorp
Classification: Likely benign for Joubert syndrome; Meckel-Gruber syndrome. Last evaluated: 2025-04-10. Review status: criteria provided, single submitter. Criteria: Invitae Variant Classification Sherloc (09022015). Collection method: clinical testing. Allele origin: germline.

GeneDx
Classification: Uncertain significance. Last evaluated: 2021-01-12. Review status: criteria provided, single submitter. Criteria: GeneDx Variant Classification Process June 2021. Collection method: clinical testing. Allele origin: germline. Affected: yes.
Comment: In silico analysis, which includes protein predictors and evolutionary conservation, supports a deleterious effect; Has not been previously published as pathogenic or benign to our knowledge.

Eurofins Ntd Llc (ga)
Classification: Uncertain significance. Last evaluated: 2017-04-11. Review status: criteria provided, single submitter. Criteria: EGL Classification Definitions 2015. Collection method: clinical testing. Allele origin: germline. Observed: 1 variant allele, 1 heterozygote.